The following is an entry in ClinVar:

ClinVar aggregate classification (germline): Likely benign (1 of 4 stars; one submission).

Submission:

CeGaT Center for Human Genetics Tuebingen
Classification: Likely benign. Last evaluated: 2026-02-01. Review status: criteria provided, single submitter. Criteria: CeGaT Center For Human Genetics Tuebingen Variant Classification Criteria Version 2. Collection method: clinical testing. Allele origin: germline. Affected: yes. Observed: 1 variant allele.
Comment: SLC15A4: BP4, BP7

NM_145648.4(SLC15A4):c.69C>G (p.Ala23=)

Gene: SLC15A4 (solute carrier family 15 member 4; minus strand). Cytogenetic location: 12q24.33.
Variant type: single nucleotide variant.
Coding change: c.69C>G on transcript NM_145648.4 (MANE Select); coding-DNA position 69, C replaced by G.
Protein change: p.Ala23=; no amino-acid change (alanine 23 retained).
Molecular consequence: synonymous variant.
Genome position (GRCh38, 1-based): chr12:128,823,875, G>C on the plus strand (C>G on the coding strand, the complement: SLC15A4 is on the minus strand). VCF-style: chr12-128823875-G-C. GRCh37 (hg19) VCF-style: chr12-129308420-G-C.
Identifiers: ClinVar variation 4821219 (VCV004821219.4).